The following is an entry in ClinVar:

NM_001853.4(COL9A3):c.1994C>A (p.Ser665Ter)

Gene: COL9A3 (collagen type IX alpha 3 chain; plus strand). Cytogenetic location: 20q13.33.
Variant type: single nucleotide variant.
Coding change: c.1994C>A on transcript NM_001853.4 (MANE Select); coding-DNA position 1994, C replaced by A.
Protein change: p.Ser665Ter; replaces serine 665 with a stop codon.
Molecular consequence: nonsense.
Genome position (GRCh38, 1-based): chr20:62,840,671, C>A. VCF-style: chr20-62840671-C-A. GRCh37 (hg19) VCF-style: chr20-61472023-C-A.
Other names: short protein forms S665*.
Identifiers: ClinVar variation 2874122 (VCV002874122.3), dbSNP rs750703504, ClinGen allele CA409601807.
Genomic context (GRCh38, chr20:62,840,671, plus strand): 5'-GAGATCCTGGGCTTCCAGGTGCCATTGGGGCCCAGGGGACACCGGGGATCTGCGACACCT[C>A]AGCCTGCCAAGGAGCCGTGTTAGGAGGGGTCGGGGAGAAATCAGGCTCTCGAAGCTCATA-3'

ClinVar aggregate classification (germline): Uncertain significance (1 of 4 stars; one submission).

Allele frequency attached by ClinVar (database versions not stated): TOPMed 0.00001.
gnomAD v4.1: 1 of 1,605,750 alleles (0.000062%); no homozygotes.

Submission:

Labcorp Genetics (formerly Invitae), Labcorp
Classification: Uncertain significance. Last evaluated: 2023-09-08. Review status: criteria provided, single submitter. Criteria: Invitae Variant Classification Sherloc (09022015). Collection method: clinical testing. Allele origin: germline.
Comment: In summary, the available evidence is currently insufficient to determine the role of this variant in disease. Therefore, it has been classified as a Variant of Uncertain Significance. Experimental studies and prediction algorithms are not available or were not evaluated, and the functional significance of this variant is currently unknown. This variant has not been reported in the literature in individuals affected with COL9A3-related conditions. This variant is not present in population databases (gnomAD no frequency). This sequence change creates a premature translational stop signal (p.Ser665*) in the COL9A3 gene. While this is not anticipated to result in nonsense mediated decay, it is expected to disrupt the last 20 amino acid(s) of the COL9A3 protein.